The following is an entry in ClinVar:

NM_022455.5(NSD1):c.1760del (p.Gly587fs)

Gene: NSD1 (nuclear receptor binding SET domain protein 1; plus strand). Cytogenetic location: 5q35.3.
Variant type: Deletion.
Coding change: c.1760del on transcript NM_022455.5 (MANE Select); coding-DNA position 1760, one base deleted (G; older notation c.1760delG).
Protein change: p.Gly587fs; shifts the reading frame from glycine 587.
Molecular consequence: frameshift variant.
Genome position (GRCh38, 1-based): chr5:177,210,159, G deleted; the last of 2 consecutive G bases (chr5:177,210,158-177,210,159); deleting either gives the same sequence. VCF-style (leftmost placement, unchanged base first): chr5-177210157-TG-T. GRCh37 (hg19) VCF-style: chr5-176637158-TG-T.
Other names: c.887delG, p.Gly296Valfs (NM_001365684.2, NM_001409306.1, NM_001409307.1 and 3 more transcripts); c.1760delG, p.Gly587Valfs (NM_001409301.1, NM_001409302.1, NM_001409303.1); c.1340delG, p.Gly447Valfs (NM_001409304.1); c.1007delG, p.Gly336Valfs (NM_001409305.1); short protein forms G318fs, G587fs.
Identifiers: ClinVar variation 663102 (VCV000663102.9), dbSNP rs1581316964, ClinGen allele CA915942720.

ClinVar aggregate classification (germline): Pathogenic (1 of 4 stars; one submission).

Submission:

Labcorp Genetics (formerly Invitae), Labcorp
Classification: Pathogenic. Last evaluated: 2018-11-15. Review status: criteria provided, single submitter. Criteria: Invitae Variant Classification Sherloc (09022015). Collection method: clinical testing. Allele origin: germline.
Comment: For these reasons, this variant has been classified as Pathogenic. Loss-of-function variants in NSD1 are known to be pathogenic (PMID: 12464997, 14571271, 15942875, 16247291). Algorithms developed to predict the effect of sequence changes on RNA splicing suggest that this variant may create or strengthen a splice site, but this prediction has not been confirmed by published transcriptional studies. This variant is not present in population databases (ExAC no frequency). This sequence change creates a premature translational stop signal (p.Gly587Valfs*12) in the NSD1 gene. It is expected to result in an absent or disrupted protein product.

Literature cited by the submitters: PubMed 12464997; PubMed 14571271; PubMed 15942875; PubMed 16247291.